The following is an entry in ClinVar:

ClinVar aggregate classification (germline): Uncertain significance (1 of 4 stars; one submission).

Conditions:
EGFR-related lung cancer (EGFR). Identifiers: MedGen CN130014.

Allele frequency attached by ClinVar (database versions not stated): gnomAD exomes below 0.00001.
gnomAD v4.1: 1 of 1,613,688 alleles (0.000062%); highest among the groups gnomAD compares: Non-Finnish European, 0.000085%; no homozygotes.

Submission:

Labcorp Genetics (formerly Invitae), Labcorp
Classification: Uncertain significance for EGFR-related lung cancer. Last evaluated: 2022-08-07. Review status: criteria provided, single submitter. Criteria: Invitae Variant Classification Sherloc (09022015). Collection method: clinical testing. Allele origin: germline.
Comment: In summary, the available evidence is currently insufficient to determine the role of this variant in disease. Therefore, it has been classified as a Variant of Uncertain Significance. Algorithms developed to predict the effect of missense changes on protein structure and function (SIFT, PolyPhen-2, Align-GVGD) all suggest that this variant is likely to be disruptive. ClinVar contains an entry for this variant (Variation ID: 1001152). This variant has not been reported in the literature in individuals affected with EGFR-related conditions. This variant is not present in population databases (gnomAD no frequency). This sequence change replaces glycine, which is neutral and non-polar, with arginine, which is basic and polar, at codon 331 of the EGFR protein (p.Gly331Arg).

NM_005228.5(EGFR):c.991G>A (p.Gly331Arg)

Gene: EGFR (epidermal growth factor receptor; plus strand). Cytogenetic location: 7p11.2.
Variant type: single nucleotide variant.
Coding change: c.991G>A on transcript NM_005228.5 (MANE Select); coding-DNA position 991, G replaced by A.
Protein change: p.Gly331Arg; replaces glycine 331 with arginine.
Molecular consequence: missense variant.
Genome position (GRCh38, 1-based): chr7:55,155,931, G>A. VCF-style: chr7-55155931-G-A. GRCh37 (hg19) VCF-style: chr7-55223624-G-A.
Other names: c.856G>A, p.Gly286Arg (NM_001346897.2, NM_001346899.2); c.991G>A, p.Gly331Arg (NM_001346898.2, NM_201282.2, NM_201283.2 and 1 more transcripts); c.832G>A, p.Gly278Arg (NM_001346900.2); c.190G>A, p.Gly64Arg (NM_001346941.2); short protein forms G278R, G286R, G331R, G64R.
Identifiers: ClinVar variation 1001152 (VCV001001152.8), dbSNP rs1785391447, ClinGen allele CA367578135.
Genomic context (GRCh38, chr7:55,155,931, plus strand): 5'-TGTGGGGCCGACAGCTATGAGATGGAGGAAGACGGCGTCCGCAAGTGTAAGAAGTGCGAA[G>A]GGCCTTGCCGCAAAGGTAGGAAGCCCGCCGGTGTGCGGACGAGGCTTGTTCTCGGCTGCT-3'
Protein context (NP_005219.2, residues 321-341): DGVRKCKKCE[Gly331Arg]PCRKVCNGIG